The following is an entry in ClinVar:

NM_000494.4(COL17A1):c.3766+14C>A

Gene: COL17A1 (collagen type XVII alpha 1 chain; minus strand). Cytogenetic location: 10q25.1.
Variant type: single nucleotide variant.
Coding change: c.3766+14C>A on transcript NM_000494.4 (MANE Select); 14 bases into the intron after coding-DNA position 3766, C replaced by A.
Molecular consequence: intron variant.
Genome position (GRCh38, 1-based): chr10:104,034,607, G>T on the plus strand (C>A on the coding strand, the complement: COL17A1 is on the minus strand). VCF-style: chr10-104034607-G-T. GRCh37 (hg19) VCF-style: chr10-105794365-G-T.
Other names: c.3766+14C>A (LRG_1249t1).
Identifiers: ClinVar variation 298692 (VCV000298692.9), dbSNP rs180732052, ClinGen allele CA5677833.
Genomic context (GRCh38, chr10:104,034,607, plus strand): 5'-CCTCCCTGCCCCACTTACAGGGAAAAGCAAGGCCTGCGGGGTGCCTGGTGGGGCATCACC[G>T]TCGGGGCACCTACTTGTGAGGTAGCTGATCAGCTCGCTCCGGAAGCTGTCGCTGTTTTCA-3'

ClinVar aggregate classification (germline): Benign/Likely benign. Review status: criteria provided, multiple submitters, no conflicts (2 of 4 stars). 3 submissions from 3 submitters: Benign (1); Likely benign (2). Last evaluated 2025-11-16.

Conditions:
Junctional epidermolysis bullosa, non-Herlitz type. Also called: EPIDERMOLYSIS BULLOSA JUNCTIONALIS, DISENTIS TYPE; EPIDERMOLYSIS BULLOSA JUNCTIONALIS, NON-HERLITZ TYPE; EPIDERMOLYSIS BULLOSA JUNCTIONALIS, PROGRESSIVE; EPIDERMOLYSIS BULLOSA JUNCTIONALIS, SEVERE NONLETHAL; COL17A1-Related Junctional Epidermolysis Bullosa; Epidermolysis bullosa, junctional, non-herlitz type, somatic mosaic revertant. Identifiers: Orphanet 251393, Orphanet 79402, Orphanet 79405, Orphanet 89840, MedGen C0268374, MONDO:0009180, OMIM 226650.

Allele frequency attached by ClinVar (database versions not stated): ESP Exome Variant Server 0.00023; gnomAD 0.00083; TOPMed 0.00085; 1000 Genomes Project 0.00319; 1000 Genomes Project 30x 0.00344.
gnomAD v4.1: 341 of 1,607,828 alleles (0.021%); highest among the groups gnomAD compares: East Asian, 0.5%; 2 homozygotes.

Submissions (3):

Labcorp Genetics (formerly Invitae), Labcorp
Classification: Benign. Last evaluated: 2025-11-16. Review status: criteria provided, single submitter. Criteria: Invitae Variant Classification Sherloc (09022015). Collection method: clinical testing. Allele origin: germline.

Blueprint Genetics
Classification: Likely benign. Last evaluated: 2024-07-05. Review status: criteria provided, single submitter. Criteria: ACMG Guidelines, 2015. Collection method: clinical testing. Allele origin: germline.

Illumina Laboratory Services, Illumina
Classification: Likely benign for Junctional epidermolysis bullosa, non-Herlitz type. Last evaluated: 2018-01-12. Review status: criteria provided, single submitter. Criteria: ICSL Variant Classification Criteria 13 December 2019. Collection method: clinical testing. Allele origin: germline.
Comment: This variant was observed in the ICSL laboratory as part of a predisposition screen in an ostensibly healthy population. It had not been previously curated by ICSL or reported in the Human Gene Mutation Database (HGMD: prior to June 1st, 2018), and was therefore a candidate for classification through an automated scoring system. Utilizing variant allele frequency, disease prevalence and penetrance estimates, and inheritance mode, an automated score was calculated to assess if this variant is too frequent to cause the disease. Based on the score and internal cut-off values, a variant classified as likely benign is not then subjected to further curation. The score for this variant resulted in a classification of likely benign for this disease.